The following is an entry in ClinVar:

ClinVar aggregate classification (germline): Uncertain significance (1 of 4 stars; one submission).

Conditions:
Hereditary cancer-predisposing syndrome. Also called: Tumor predisposition; Hereditary neoplastic syndrome; Neoplastic Syndromes, Hereditary; Hereditary Cancer Syndrome. Identifiers: Orphanet 140162, MedGen C0027672, MeSH D009386, MONDO:0015356.

Submission:

Labcorp Genetics (formerly Invitae), Labcorp
Classification: Uncertain significance for Hereditary cancer-predisposing syndrome. Last evaluated: 2021-06-16. Review status: criteria provided, single submitter. Criteria: Invitae Variant Classification Sherloc (09022015). Collection method: clinical testing. Allele origin: germline.
Comment: This variant is not present in population databases (ExAC no frequency). This sequence change replaces glutamic acid with aspartic acid at codon 245 of the RAD50 protein (p.Glu245Asp). The glutamic acid residue is highly conserved and there is a small physicochemical difference between glutamic acid and aspartic acid. In summary, the available evidence is currently insufficient to determine the role of this variant in disease. Therefore, it has been classified as a Variant of Uncertain Significance. Algorithms developed to predict the effect of missense changes on protein structure and function output the following: SIFT: "Tolerated"; PolyPhen-2: "Benign"; Align-GVGD: "Class C0". The aspartic acid amino acid residue is found in multiple mammalian species, suggesting that this missense change does not adversely affect protein function. These predictions have not been confirmed by published functional studies and their clinical significance is uncertain. This variant has not been reported in the literature in individuals with RAD50-related conditions.

NM_005732.4(RAD50):c.735G>C (p.Glu245Asp)

Gene: RAD50 (RAD50 double strand break repair protein; plus strand). Cytogenetic location: 5q31.1.
Variant type: single nucleotide variant.
Coding change: c.735G>C on transcript NM_005732.4 (MANE Select); coding-DNA position 735, G replaced by C.
Protein change: p.Glu245Asp; replaces glutamic acid 245 with aspartic acid.
Molecular consequence: missense variant.
Genome position (GRCh38, 1-based): chr5:132,580,045, G>C. VCF-style: chr5-132580045-G-C. GRCh37 (hg19) VCF-style: chr5-131915737-G-C.
Other names: short protein forms E245D.
Identifiers: ClinVar variation 1361789 (VCV001361789.8), dbSNP rs1750479076, ClinGen allele CA360937277.